The following is an entry in ClinVar:

NM_001330260.2(SCN8A):c.1850A>G (p.Tyr617Cys)

Gene: SCN8A (sodium voltage-gated channel alpha subunit 8; plus strand). Cytogenetic location: 12q13.13.
Variant type: single nucleotide variant.
Coding change: c.1850A>G on transcript NM_001330260.2 (MANE Select); coding-DNA position 1850, A replaced by G.
Protein change: p.Tyr617Cys; replaces tyrosine 617 with cysteine.
Molecular consequence: missense variant.
Genome position (GRCh38, 1-based): chr12:51,721,760, A>G. VCF-style: chr12-51721760-A-G. GRCh37 (hg19) VCF-style: chr12-52115544-A-G.
Other names: c.1850A>G, p.Tyr617Cys (NM_001177984.3, NM_001369788.1, NM_014191.4); short protein forms Y617C.
Identifiers: ClinVar variation 996298 (VCV000996298.1), dbSNP rs1308021407, ClinGen allele CA385229720.

ClinVar aggregate classification (germline): Uncertain significance. Review status: criteria provided, multiple submitters, no conflicts (2 of 4 stars). 2 submissions from 2 submitters: Uncertain significance (2). Last evaluated 2021-01-20.

Conditions:
Developmental and epileptic encephalopathy, 13 (DEE13). Also called: Early infantile epileptic encephalopathy 13; SCN8A-Related Epilepsy; Developmental and Epileptic Encephalopathy (SCN8A-DEE). Identifiers: Orphanet 442835, MedGen C3281191, MONDO:0013801, OMIM 614558.

Allele frequency attached by ClinVar (database versions not stated): gnomAD exomes below 0.00001; TOPMed below 0.00001.
gnomAD v4.1: 1 of 1,609,436 alleles (0.000062%); no homozygotes.

Submissions (2):

Women's Health and Genetics/Laboratory Corporation of America, LabCorp
Classification: Uncertain significance. Last evaluated: 2021-01-20. Review status: criteria provided, single submitter. Criteria: LabCorp Variant Classification Summary - May 2015. Collection method: clinical testing. Allele origin: germline.
Comment: Variant summary: SCN8A c.1850A>G (p.Tyr617Cys) results in a non-conservative amino acid change located in the Voltage-gated Na+ ion channel, cytoplasmic domain (IPR024583) of the encoded protein sequence. Five of five in-silico tools predict a damaging effect of the variant on protein function. The variant allele was found at a frequency of 4.3e-06 in 232276 control chromosomes (gnomAD). The available data on variant occurrences in the general population are insufficient to allow any conclusion about variant significance. To our knowledge, no occurrence of c.1850A>G in individuals affected with Early Infantile Epileptic Encephalopathy 13 and no experimental evidence demonstrating its impact on protein function have been reported. No clinical diagnostic laboratories have submitted clinical-significance assessments for this variant to ClinVar after 2014. Based on the evidence outlined above, the variant was classified as uncertain significance.

Neuberg Centre For Genomic Medicine, NCGM
Classification: Uncertain significance for Developmental and epileptic encephalopathy, 13. Review status: criteria provided, single submitter. Criteria: ACMG Guidelines, 2015. Collection method: clinical testing. Allele origin: germline. Inheritance: Autosomal dominant inheritance. Affected: yes.
Comment: The missense variant in c.1850A>G in SCN8A gene has not been reported previously as a pathogenic variant nor as a benign variant, to our knowledge. The p.Tyr617Cys variant is novel (not in any individuals) in 1000 Genomes and has allele frequency of 0.0004305% in gnomAD database. This variant has been reported to the ClinVar database as Uncertain Significance (VUS). The amino acid Tyr at position 617 is changed to a Cys changing protein sequence and it might alter its composition and physico-chemical properties. For these reasons, this variant has been classified as Uncertain Significance (VUS).